The following is an entry in ClinVar:

NM_012210.4(TRIM32):c.*1246T>C

Genes: ASTN2 (astrotactin 2; minus strand), TRIM32 (tripartite motif containing 32; plus strand). Cytogenetic location: 9q33.1.
Variant type: single nucleotide variant.
Coding change: c.*1246T>C on transcript NM_012210.4 (MANE Select); 1246 bases downstream of the stop codon, T replaced by C.
Molecular consequence: 3 prime UTR variant. On other transcripts: intron variant (3).
Genome position (GRCh38, 1-based): chr9:116,700,950, T>C. VCF-style: chr9-116700950-T-C. GRCh37 (hg19) VCF-style: chr9-119463229-T-C.
Other names: c.*1246T>C (NM_001099679.2, NM_001379048.1, NM_001379049.1 and 1 more transcripts); c.2653+24821A>G (NM_014010.5); c.2794+24821A>G (NM_001365069.1); c.2806+24821A>G (NM_001365068.1).
Identifiers: ClinVar variation 914382 (VCV000914382.28), dbSNP rs573622329, ClinGen allele CA198772834.

ClinVar aggregate classification (germline): Conflicting classifications of pathogenicity. Review status: criteria provided, conflicting classifications (1 of 4 stars). 3 submissions from 2 submitters: Uncertain significance (2); Benign (1). Last evaluated 2022-11-01.

Conditions:
Sarcotubular myopathy (LGMDR8). Also called: Limb-girdle muscular dystrophy, type 2H; Hutterite type of muscular dystrophy; MUSCULAR DYSTROPHY, LIMB-GIRDLE, AUTOSOMAL RECESSIVE 8; Autosomal recessive limb-girdle muscular dystrophy type 2H. Identifiers: Orphanet 1878, MedGen C0270968, MONDO:0009683, OMIM 254110.
Bardet-Biedl syndrome 11 (BBS11). Identifiers: Orphanet 110, MedGen C1859569, MONDO:0014439, OMIM 615988.

Allele frequency attached by ClinVar (database versions not stated): gnomAD 0.00015 and 0.00008; 1000 Genomes Project 0.00020; 1000 Genomes Project 30x 0.00031; TOPMed 0.00007.

Submissions (3):

CeGaT Center for Human Genetics Tuebingen
Classification: Benign. Last evaluated: 2022-11-01. Review status: criteria provided, single submitter. Criteria: CeGaT Center For Human Genetics Tuebingen Variant Classification Criteria Version 2. Collection method: clinical testing. Allele origin: germline. Affected: yes. Observed: 2 variant alleles.
Comment: ASTN2: BS1, BS2

Illumina Laboratory Services, Illumina
Classification: Uncertain significance for Sarcotubular myopathy. Last evaluated: 2018-01-13. Review status: criteria provided, single submitter. Criteria: ICSL Variant Classification Criteria 13 December 2019. Collection method: clinical testing. Allele origin: germline.

Illumina Laboratory Services, Illumina
Classification: Uncertain significance for Bardet-Biedl syndrome 11. Last evaluated: 2018-01-13. Review status: criteria provided, single submitter. Criteria: ICSL Variant Classification Criteria 13 December 2019. Collection method: clinical testing. Allele origin: germline.